The following is an entry in ClinVar:

ClinVar aggregate classification (germline): Pathogenic (1 of 4 stars; one submission).

Conditions:
Bardet-Biedl syndrome (BBS). Identifiers: Orphanet 110, MedGen C0752166, MONDO:0015229.

Submission:

Labcorp Genetics (formerly Invitae), Labcorp
Classification: Pathogenic for Bardet-Biedl syndrome. Last evaluated: 2022-01-15. Review status: criteria provided, single submitter. Criteria: Invitae Variant Classification Sherloc (09022015). Collection method: clinical testing. Allele origin: germline.
Comment: For these reasons, this variant has been classified as Pathogenic. This variant disrupts a region of the BBS12 protein in which other variant(s) (p.Arg675*) have been determined to be pathogenic (PMID: 20827784, 21642631). This suggests that this is a clinically significant region of the protein, and that variants that disrupt it are likely to be disease-causing. ClinVar contains an entry for this variant (Variation ID: 939166). This variant has not been reported in the literature in individuals affected with BBS12-related conditions. This variant is not present in population databases (gnomAD no frequency). This sequence change creates a premature translational stop signal (p.Met309Valfs*2) in the BBS12 gene. While this is not anticipated to result in nonsense mediated decay, it is expected to disrupt the last 402 amino acid(s) of the BBS12 protein.

Literature cited by the submitters: PubMed 20827784; PubMed 21642631.

NM_152618.3(BBS12):c.925_926del (p.Met309fs)

Gene: BBS12 (Bardet-Biedl syndrome 12; plus strand). Cytogenetic location: 4q27.
Variant type: Deletion.
Coding change: c.925_926del on transcript NM_152618.3 (MANE Select); coding-DNA positions 925 to 926, 2 bases deleted (AT; older notation c.925_926delAT).
Protein change: p.Met309fs; shifts the reading frame from methionine 309.
Molecular consequence: frameshift variant.
Genome position (GRCh38, 1-based): chr4:122,742,817-122,742,818, AT deleted; deleting any 2 consecutive bases within chr4:122,742,816-122,742,818 gives the same sequence; the c. name uses the placement nearest the transcript's 3' end. VCF-style (leftmost placement, unchanged base first): chr4-122742815-TTA-T. GRCh37 (hg19) VCF-style: chr4-123663970-TTA-T.
Other names: c.925_926del, p.Met309fs (NM_001178007.2); short protein forms M309fs.
Identifiers: ClinVar variation 939166 (VCV000939166.6), dbSNP rs1800904262, ClinGen allele CA1139658634.